The following is an entry in ClinVar:

NM_001365276.2(TNXB):c.1544A>G (p.Asn515Ser)

Gene: TNXB (tenascin XB; minus strand). Cytogenetic location: 6p21.33.
Variant type: single nucleotide variant.
Coding change: c.1544A>G on transcript NM_001365276.2 (MANE Select); coding-DNA position 1544, A replaced by G.
Protein change: p.Asn515Ser; replaces asparagine 515 with serine.
Molecular consequence: missense variant.
Genome position (GRCh38, 1-based): chr6:32,096,309, T>C on the plus strand (A>G on the coding strand, the complement: TNXB is on the minus strand). VCF-style: chr6-32096309-T-C. GRCh37 (hg19) VCF-style: chr6-32064086-T-C.
Other names: c.1544A>G, p.Asn515Ser (NM_019105.8); short protein forms N515S.
Identifiers: ClinVar variation 1774898 (VCV001774898.2), dbSNP rs780846101, ClinGen allele CA3735660.

ClinVar aggregate classification (germline): Uncertain significance (1 of 4 stars; one submission).

Conditions:
Cardiovascular phenotype. Identifiers: MedGen CN230736.

Allele frequency attached by ClinVar (database versions not stated): gnomAD exomes below 0.00001; gnomAD 0.00001; TOPMed 0.00001; ExAC 0.00005.
gnomAD v4.1: 7 of 1,551,044 alleles (0.00045%); highest among the groups gnomAD compares: South Asian, 0.0047%; no homozygotes.

Submission:

Ambry Genetics
Classification: Uncertain significance for Cardiovascular phenotype. Last evaluated: 2022-06-27. Review status: criteria provided, single submitter. Criteria: Ambry Variant Classification Scheme 2023. Collection method: clinical testing. Allele origin: germline.
Comment: The p.N515S variant (also known as c.1544A>G), located in coding exon 2 of the TNXB gene, results from an A to G substitution at nucleotide position 1544. The asparagine at codon 515 is replaced by serine, an amino acid with highly similar properties. This amino acid position is conserved. In addition, this alteration is predicted to be tolerated by in silico analysis. Since supporting evidence is limited at this time, the clinical significance of this alteration remains unclear.